The following is an entry in ClinVar:

ClinVar aggregate classification (germline): Conflicting classifications of pathogenicity. Review status: criteria provided, conflicting classifications (1 of 4 stars). 6 submissions from 6 submitters: Uncertain significance (2); Likely benign (3). 1 of the submissions does not count toward it. Last evaluated 2026-08-01.

Conditions:
PLEC-related disorder. Also called: PLEC-related condition; PLEC-related disorders.
Epidermolysis bullosa simplex with nail dystrophy (EBS5D). Identifiers: MedGen C4225309, MONDO:0014661, OMIM 616487.
Epidermolysis bullosa simplex 5C, with pyloric atresia (EBS5C). Also called: PLEC-Related Epidermolysis Bullosa with Pyloric Atresia; PLEC1-Related Epidermolysis Bullosa with Pyloric Atresia; Epidermolysis bullosa simplex with pyloric atresia. Identifiers: Orphanet 158684, MedGen C2677349, MONDO:0012807, OMIM 612138.
Autosomal recessive limb-girdle muscular dystrophy type 2Q (LGMDR17). Also called: MUSCULAR DYSTROPHY, LIMB-GIRDLE, AUTOSOMAL RECESSIVE 17. Identifiers: Orphanet 254361, MedGen C3150989, MONDO:0013390, OMIM 613723.
Epidermolysis bullosa simplex, Ogna type (EBS5A). Also called: Pidermolysis bullosa simplex 5A, Ogna type; EPIDERMOLYSIS BULLOSA SIMPLEX 5A, OGNA TYPE. Identifiers: Orphanet 79401, MedGen C0432317, MONDO:0007555, OMIM 131950.
Epidermolysis bullosa simplex 5B, with muscular dystrophy (EBS5B). Also called: EPIDERMOLYSIS BULLOSA SIMPLEX AND LIMB-GIRDLE MUSCULAR DYSTROPHY; Epidermolysis bullosa simplex with muscular dystrophy. Identifiers: Orphanet 257, MedGen C2931072, MONDO:0009181, OMIM 226670.

Allele frequency attached by ClinVar (database versions not stated): gnomAD exomes 0.00012 and 0.00031; ExAC 0.00045; ESP Exome Variant Server 0.00120; gnomAD 0.00124 and 0.00132; 1000 Genomes Project 0.00140; 1000 Genomes Project 30x 0.00141; TOPMed 0.00155.

Submissions (6):

CeGaT Center for Human Genetics Tuebingen
Classification: Uncertain significance. Last evaluated: 2026-08-01. Review status: criteria provided, single submitter. Criteria: CeGaT Center For Human Genetics Tuebingen Variant Classification Criteria Version 2. Collection method: clinical testing. Allele origin: germline. Affected: yes. Observed: 1 variant allele.
Comment: PLEC: PM2

Labcorp Genetics (formerly Invitae), Labcorp
Classification: Likely benign for Autosomal recessive limb-girdle muscular dystrophy type 2Q; Epidermolysis bullosa simplex, Ogna type; Epidermolysis bullosa simplex with nail dystrophy; Epidermolysis bullosa simplex 5C, with pyloric atresia; Epidermolysis bullosa simplex 5B, with muscular dystrophy. Last evaluated: 2026-01-14. Review status: criteria provided, single submitter. Criteria: Invitae Variant Classification Sherloc (09022015). Collection method: clinical testing. Allele origin: germline.

Athena Diagnostics
Classification: Likely benign. Last evaluated: 2021-01-06. Review status: criteria provided, single submitter. Criteria: Athena Diagnostics criteria. Collection method: clinical testing. Allele origin: unknown.

Eurofins Ntd Llc (ga)
Classification: Uncertain significance. Last evaluated: 2017-12-11. Review status: criteria provided, single submitter. Criteria: EGL Classification Definitions 2015. Collection method: clinical testing. Allele origin: germline. Observed: 8 variant alleles, 8 heterozygotes.

GeneDx
Classification: Likely benign. Last evaluated: 2017-12-11. Review status: criteria provided, single submitter. Criteria: GeneDx Variant Classification (06012015). Collection method: clinical testing. Allele origin: germline. Affected: yes.
Comment: This variant is considered likely benign or benign based on one or more of the following criteria: it is a conservative change, it occurs at a poorly conserved position in the protein, it is predicted to be benign by multiple in silico algorithms, and/or has population frequency not consistent with disease.

PreventionGenetics, part of Exact Sciences
Classification: Likely benign for PLEC-related condition. Last evaluated: 2023-12-21. Review status: no assertion criteria provided. Collection method: clinical testing. Allele origin: germline. Not counted in ClinVar's aggregate classification.
Comment: This variant is classified as likely benign based on ACMG/AMP sequence variant interpretation guidelines (Richards et al. 2015 PMID: 25741868, with internal and published modifications).

Literature cited by the submitters: PubMed 21263134 (cited by Athena Diagnostics).

NM_201384.3(PLEC):c.11524G>A (p.Glu3842Lys)

Gene: PLEC (plectin; minus strand). Cytogenetic location: 8q24.3.
Variant type: single nucleotide variant.
Coding change: c.11524G>A on transcript NM_201384.3 (MANE Select); coding-DNA position 11524, G replaced by A.
Protein change: p.Glu3842Lys; replaces glutamic acid 3842 with lysine.
Molecular consequence: missense variant.
Genome position (GRCh38, 1-based): chr8:143,918,297, C>T on the plus strand (G>A on the coding strand, the complement: PLEC is on the minus strand). VCF-style: chr8-143918297-C-T. GRCh37 (hg19) VCF-style: chr8-144992465-C-T.
Other names: c.11605G>A, p.Glu3869Lys (NM_000445.5); c.11482G>A, p.Glu3828Lys (NM_201378.4); c.11458G>A, p.Glu3820Lys (NM_201379.3); c.11935G>A, p.Glu3979Lys (NM_201380.4); c.11428G>A, p.Glu3810Lys (NM_201381.3); c.11524G>A, p.Glu3842Lys (NM_201382.4); c.11536G>A, p.Glu3846Lys (NM_201383.3); short protein forms E3820K, E3869K, E3810K, E3828K, E3846K, E3979K, E3842K.
Identifiers: ClinVar variation 281279 (VCV000281279.19), dbSNP rs187011732, ClinGen allele CA4924328.